The following is an entry in ClinVar:

NM_152743.4(BRAT1):c.774G>A (p.Ser258=)

Gene: BRAT1 (BRCA1 associated ATM activator 1; minus strand). Cytogenetic location: 7p22.3.
Variant type: single nucleotide variant.
Coding change: c.774G>A on transcript NM_152743.4 (MANE Select); coding-DNA position 774, G replaced by A.
Protein change: p.Ser258=; no amino-acid change (serine 258 retained).
Molecular consequence: synonymous variant. On other transcripts: non-coding transcript variant (1).
Genome position (GRCh38, 1-based): chr7:2,543,619, C>T on the plus strand (G>A on the coding strand, the complement: BRAT1 is on the minus strand). VCF-style: chr7-2543619-C-T. GRCh37 (hg19) VCF-style: chr7-2583253-C-T.
Other names: c.774G>A, p.Ser258= (NM_001350626.2); c.249G>A, p.Ser83= (NM_001350627.2).
Identifiers: ClinVar variation 772388 (VCV000772388.11), dbSNP rs376321695, ClinGen allele CA4128100.

ClinVar aggregate classification (germline): Conflicting classifications of pathogenicity. Review status: criteria provided, conflicting classifications (1 of 4 stars). 2 submissions from 2 submitters: Uncertain significance (1); Likely benign (1). Last evaluated 2026-02-02.

Conditions:
Neonatal-onset encephalopathy with rigidity and seizures. Also called: Lethal neonatal spasticity-epileptic encephalopathy syndrome. Identifiers: Orphanet 435845, MedGen C3281029, MONDO:0013784, OMIM 614498.

Allele frequency attached by ClinVar (database versions not stated): TOPMed 0.00006; gnomAD 0.00008 and 0.00009; gnomAD exomes 0.00003; ESP Exome Variant Server 0.00015; ExAC 0.00006.
gnomAD v4.1: 167 of 1,529,006 alleles (0.011%); highest among the groups gnomAD compares: Non-Finnish European, 0.014%; no homozygotes.

Submissions (2):

Labcorp Genetics (formerly Invitae), Labcorp
Classification: Likely benign for Neonatal-onset encephalopathy with rigidity and seizures. Last evaluated: 2026-02-02. Review status: criteria provided, single submitter. Criteria: Invitae Variant Classification Sherloc (09022015). Collection method: clinical testing. Allele origin: germline.

GeneDx
Classification: Uncertain significance. Last evaluated: 2023-11-29. Review status: criteria provided, single submitter. Criteria: GeneDx Variant Classification Process June 2021. Collection method: clinical testing. Allele origin: germline. Affected: yes.
Comment: Not observed at significant frequency in large population cohorts (gnomAD); Has not been previously published as pathogenic or benign to our knowledge; In silico analysis is inconclusive as to whether the variant alters gene splicing. In the absence of RNA/functional studies, the actual effect of this sequence change is unknown.